The following is an entry in ClinVar:

ClinVar aggregate classification (germline): Uncertain significance. Review status: criteria provided, multiple submitters, no conflicts (2 of 4 stars). 3 submissions from 3 submitters: Uncertain significance (3). Last evaluated 2025-05-28.

Conditions:
Histiocytic medullary reticulosis. Also called: Omenn syndrome; SEVERE COMBINED IMMUNODEFICIENCY WITH HYPEREOSINOPHILIA. Identifiers: Orphanet 39041, MedGen C2700553, MONDO:0011338, OMIM 603554.
Combined immunodeficiency due to partial RAG1 deficiency. Identifiers: Orphanet 231154, MedGen C1835931, MONDO:0012359, OMIM 609889.
Severe combined immunodeficiency, autosomal recessive, T cell-negative, B cell-negative, NK cell-positive. Also called: Severe combined immunodeficiency due to complete RAG1/2 deficiency; SCID, AR, T-cell negative, B-cell negative, NK cell-positive; SCID, T CELL-NEGATIVE, B CELL-NEGATIVE, NK CELL-POSITIVE. Identifiers: Orphanet 331206, MedGen C1832322, MONDO:0011086, OMIM 601457.
Combined immunodeficiency with skin granulomas. Identifiers: Orphanet 157949, MedGen C2673536, MONDO:0009306, OMIM 233650.
RAG1-related disorder. Also called: RAG1-related condition; RAG1-related disorders.

Allele frequency attached by ClinVar (database versions not stated): TOPMed 0.00006; ESP Exome Variant Server 0.00008; gnomAD 0.00008; ExAC 0.00012.
gnomAD v4.1: 84 of 1,613,906 alleles (0.0052%); highest among the groups gnomAD compares: Admixed American, 0.027%; no homozygotes.

Submissions (3):

PreventionGenetics, part of Exact Sciences
Classification: Uncertain significance for RAG1-related condition. Last evaluated: 2025-05-28. Review status: criteria provided, single submitter. Criteria: ACMG Guidelines, 2015. Collection method: clinical testing. Allele origin: germline.
Comment: The RAG1 c.101G>A variant is predicted to result in the amino acid substitution p.Arg34Gln. To our knowledge, this variant has not been reported in the literature. This variant is reported in 0.034% of alleles in individuals of Latino descent in gnomAD. At this time, the clinical significance of this variant is uncertain due to the absence of conclusive functional and genetic evidence.

Labcorp Genetics (formerly Invitae), Labcorp
Classification: Uncertain significance for Combined immunodeficiency with skin granulomas; Severe combined immunodeficiency, autosomal recessive, T cell-negative, B cell-negative, NK cell-positive. Last evaluated: 2022-05-03. Review status: criteria provided, single submitter. Criteria: Invitae Variant Classification Sherloc (09022015). Collection method: clinical testing. Allele origin: germline.
Comment: This sequence change replaces arginine, which is basic and polar, with glutamine, which is neutral and polar, at codon 34 of the RAG1 protein (p.Arg34Gln). This variant is present in population databases (rs377307948, gnomAD 0.02%). This variant has not been reported in the literature in individuals affected with RAG1-related conditions. ClinVar contains an entry for this variant (Variation ID: 536958). Algorithms developed to predict the effect of missense changes on protein structure and function are either unavailable or do not agree on the potential impact of this missense change (SIFT: "Deleterious"; PolyPhen-2: "Probably Damaging"; Align-GVGD: "Class C0"). In summary, the available evidence is currently insufficient to determine the role of this variant in disease. Therefore, it has been classified as a Variant of Uncertain Significance.

Fulgent Genetics
Classification: Uncertain significance for Combined immunodeficiency with skin granulomas; Severe combined immunodeficiency, autosomal recessive, T cell-negative, B cell-negative, NK cell-positive; Histiocytic medullary reticulosis; Combined immunodeficiency due to partial RAG1 deficiency. Last evaluated: 2022-04-05. Review status: criteria provided, single submitter. Criteria: ACMG Guidelines, 2015. Collection method: clinical testing. Allele origin: unknown.

NM_000448.3(RAG1):c.101G>A (p.Arg34Gln)

Gene: RAG1 (recombination activating 1; plus strand). Cytogenetic location: 11p12.
Variant type: single nucleotide variant.
Coding change: c.101G>A on transcript NM_000448.3 (MANE Select); coding-DNA position 101, G replaced by A.
Protein change: p.Arg34Gln; replaces arginine 34 with glutamine.
Molecular consequence: missense variant.
Genome position (GRCh38, 1-based): chr11:36,573,405, G>A. VCF-style: chr11-36573405-G-A. GRCh37 (hg19) VCF-style: chr11-36594955-G-A.
Other names: c.101G>A, p.Arg34Gln (NM_001377277.1, NM_001377278.1, NM_001377279.1 and 1 more transcripts); short protein forms R34Q.
Identifiers: ClinVar variation 536958 (VCV000536958.7), dbSNP rs377307948, ClinGen allele CA5949905.